The following is an entry in ClinVar:

NM_021098.3(CACNA1H):c.5905C>T (p.His1969Tyr)

Gene: CACNA1H (calcium voltage-gated channel subunit alpha1 H; plus strand). Cytogenetic location: 16p13.3.
Variant type: single nucleotide variant.
Coding change: c.5905C>T on transcript NM_021098.3 (MANE Select); coding-DNA position 5905, C replaced by T.
Protein change: p.His1969Tyr; replaces histidine 1969 with tyrosine.
Molecular consequence: missense variant.
Genome position (GRCh38, 1-based): chr16:1,218,987, C>T. VCF-style: chr16-1218987-C-T. GRCh37 (hg19) VCF-style: chr16-1268987-C-T.
Other names: c.5887C>T, p.His1963Tyr (NM_001005407.2); short protein forms H1963Y, H1969Y.
Identifiers: ClinVar variation 1318946 (VCV001318946.4), dbSNP rs773386277, ClinGen allele CA7802171.

ClinVar aggregate classification (germline): Uncertain significance. Review status: criteria provided, multiple submitters, no conflicts (2 of 4 stars). 2 submissions from 2 submitters: Uncertain significance (2). Last evaluated 2022-11-17.

Conditions:
Inborn genetic diseases. Identifiers: MedGen C0950123, MeSH D030342.

Allele frequency attached by ClinVar (database versions not stated): gnomAD exomes below 0.00001 and 0.00001; TOPMed below 0.00001; gnomAD 0.00001; ExAC 0.00006.

Submissions (2):

Ambry Genetics
Classification: Uncertain significance for Inborn genetic diseases. Last evaluated: 2022-11-17. Review status: criteria provided, single submitter. Criteria: Ambry Variant Classification Scheme 2023. Collection method: clinical testing. Allele origin: germline.

GeneDx
Classification: Uncertain significance. Last evaluated: 2019-11-22. Review status: criteria provided, single submitter. Criteria: GeneDx Variant Classification Process June 2021. Collection method: clinical testing. Allele origin: germline. Affected: yes.
Comment: Not observed at a significant frequency in large population cohorts (Lek et al., 2016); In silico analysis, which includes protein predictors and evolutionary conservation, supports a deleterious effect; Has not been previously published as pathogenic or benign to our knowledge